The following is an entry in ClinVar:

NM_003906.5(MCM3AP):c.5038+5G>A

Genes: MCM3AP (minichromosome maintenance complex component 3 associated protein; minus strand), MCM3AP-AS1 (MCM3AP antisense RNA 1; plus strand). Cytogenetic location: 21q22.3.
Variant type: single nucleotide variant.
Coding change: c.5038+5G>A on transcript NM_003906.5 (MANE Select); 5 bases into the intron after coding-DNA position 5038, G replaced by A.
Molecular consequence: intron variant.
Genome position (GRCh38, 1-based): chr21:46,244,802, C>T on the plus strand (G>A on the coding strand, the complement: MCM3AP is on the minus strand). VCF-style: chr21-46244802-C-T. GRCh37 (hg19) VCF-style: chr21-47664716-C-T.
Identifiers: ClinVar variation 3371927 (VCV003371927.1).

ClinVar aggregate classification (germline): Uncertain significance (1 of 4 stars; one submission).

gnomAD v4.1: 23 of 1,605,448 alleles (0.0014%); highest among the groups gnomAD compares: Admixed American, 0.0034%; no homozygotes.

Submission:

GeneDx
Classification: Uncertain significance. Last evaluated: 2024-04-08. Review status: criteria provided, single submitter. Criteria: GeneDx Variant Classification Process June 2021. Collection method: clinical testing. Allele origin: germline. Affected: yes.
Comment: Not observed at significant frequency in large population cohorts (gnomAD); Has not been previously published as pathogenic or benign to our knowledge; In silico analysis is inconclusive as to whether the variant alters gene splicing. In the absence of RNA/functional studies, the actual effect of this sequence change is unknown.